The following is an entry in ClinVar:

ClinVar aggregate classification (germline): Likely pathogenic (1 of 4 stars; one submission).

Conditions:
Familial adenomatous polyposis 1 (FAP1). Also called: POLYPOSIS, ADENOMATOUS INTESTINAL; FAMILIAL ADENOMATOUS POLYPOSIS 1, ATTENUATED. Identifiers: MedGen C2713442, MONDO:0021056, OMIM 175100. Disease mechanism: loss of function.

Submission:

MGZ Medical Genetics Center
Classification: Likely pathogenic for Familial adenomatous polyposis 1. Last evaluated: 2022-06-07. Review status: criteria provided, single submitter. Criteria: ACMG Guidelines, 2015. Collection method: clinical testing. Allele origin: germline. Affected: yes. Observed: 1 variant allele.
Comment: ACMG criteria applied: PVS1, PM2_SUP

NM_000038.6(APC):c.4761_4762del (p.Ser1588fs)

Gene: APC (APC regulator of Wnt signaling pathway; plus strand). Cytogenetic location: 5q22.2.
Variant type: Deletion.
Coding change: c.4761_4762del on transcript NM_000038.6 (MANE Select); coding-DNA positions 4761 to 4762, 2 bases deleted (AT; older notation c.4761_4762delAT).
Protein change: p.Ser1588fs; shifts the reading frame from serine 1588.
Molecular consequence: frameshift variant.
Genome position (GRCh38, 1-based): chr5:112,840,355-112,840,356, AT deleted. VCF-style (leftmost placement, unchanged base first): chr5-112840354-CAT-C. GRCh37 (hg19) VCF-style: chr5-112176051-CAT-C.
Other names: c.4761_4762del, p.Ser1588fs (NM_001127510.3, NM_001354895.2); c.4707_4708del, p.Ser1570fs (NM_001127511.3); c.4815_4816del, p.Ser1606fs (NM_001354896.2); c.4791_4792del, p.Ser1598fs (NM_001354897.2); c.4686_4687del, p.Ser1563fs (NM_001354898.2); c.4677_4678del, p.Ser1560fs (NM_001354899.2); c.4638_4639del, p.Ser1547fs (NM_001354900.2); c.4584_4585del, p.Ser1529fs (NM_001354901.2); and 16 more; short protein forms S1305fs, S1428fs, S1462fs, S1487fs, S1497fs, S1529fs, S1547fs, S1560fs.
Identifiers: ClinVar variation 1709557 (VCV001709557.2), dbSNP rs2533598159, ClinGen allele CA2580072564.
Genomic context (GRCh38, chr5:112,840,354, plus strand): 5'-CAGATGATGATGATATTGAAATACTAGAAGAATGTATTATTTCTGCCATGCCAACAAAGT[CAT>C]CACGTAAAGCAAAAAAGCCAGCCCAGACTGCTTCAAAATTACCTCCACCTGTGGCAAGGA-3'